The following is an entry in ClinVar:

NC_000009.11:g.(?_133540041)_(133543720_?)dup

Gene: PRDM12 (PR/SET domain 12; plus strand). Cytogenetic location: 9q34.12.
Variant type: Duplication.
Identifiers: ClinVar variation 1449552 (VCV001449552.4).

ClinVar aggregate classification (germline): Uncertain significance (1 of 4 stars; one submission).

Conditions:
Congenital insensitivity to pain-hypohidrosis syndrome. Also called: HSAN VIII; Neuropathy, hereditary sensory and autonomic, type VIII. Identifiers: Orphanet 478664, MedGen C4225308, MONDO:0014662, OMIM 616488.

Submission:

Labcorp Genetics (formerly Invitae), Labcorp
Classification: Uncertain significance for Congenital insensitivity to pain-hypohidrosis syndrome. Last evaluated: 2021-05-31. Review status: criteria provided, single submitter. Criteria: Invitae Variant Classification Sherloc (09022015). Collection method: clinical testing. Allele origin: germline.
Comment: In summary, the available evidence is currently insufficient to determine the role of this variant in disease. Therefore, it has been classified as a Variant of Uncertain Significance. Experimental studies and prediction algorithms are not available or were not evaluated, and the functional significance of this variant is currently unknown. This variant has not been reported in the literature in individuals with PRDM12-related conditions. This variant results in a copy number gain of the genomic region encompassing exon(s) 1-3 of the PRDM12 gene. This region includes the initiator codon of the gene. The 5' end of this event is unknown as it extends beyond the assayed region for this gene and therefore may encompass additional genes. The 3' boundary is likely confined to intron 3 of the PRDM12 gene. As the precise location of this event is unknown, it may be in tandem or it may be located elsewhere in the genome.